The following is an entry in ClinVar:

ClinVar aggregate classification (germline): Uncertain significance (1 of 4 stars; one submission).

Conditions:
Amyotrophic lateral sclerosis type 1 (ALS1). Also called: AMYOTROPHIC LATERAL SCLEROSIS 1, FAMILIAL. Identifiers: Orphanet 803, MedGen C1862939, MONDO:0007103, OMIM 105400.
Neuronopathy, distal hereditary motor, type 7B. Also called: HMN VIIB; LOWER MOTOR NEURON DISEASE, DYNACTIN TYPE; NEURONOPATHY, DISTAL HEREDITARY MOTOR, AUTOSOMAL DOMINANT 14; NEURONOPATHY, DISTAL HEREDITARY MOTOR, HARDING TYPE VIIB; NEUROPATHY, DISTAL HEREDITARY MOTOR, HARDING TYPE VIIB; NEUROPATHY, DISTAL HEREDITARY MOTOR, WITH VOCAL CORD PARALYSIS, HARDING TYPE VIIB. Identifiers: Orphanet 139589, MedGen C1843315, MONDO:0011879, OMIM 607641.
Perry syndrome. Also called: PARKINSONISM WITH ALVEOLAR HYPOVENTILATION AND MENTAL DEPRESSION. Identifiers: Orphanet 178509, MedGen C1868594, MONDO:0008201, OMIM 168605.

gnomAD v4.1: 1 of 1,612,970 alleles (0.000062%); no homozygotes.

Submission:

Labcorp Genetics (formerly Invitae), Labcorp
Classification: Uncertain significance for Amyotrophic lateral sclerosis type 1; Neuronopathy, distal hereditary motor, type 7B; Perry syndrome. Last evaluated: 2025-08-12. Review status: criteria provided, single submitter. Criteria: Invitae Variant Classification Sherloc (09022015). Collection method: clinical testing. Allele origin: germline.
Comment: This sequence change replaces threonine, which is neutral and polar, with isoleucine, which is neutral and non-polar, at codon 1174 of the DCTN1 protein (p.Thr1174Ile). This variant is not present in population databases (gnomAD no frequency). This variant has not been reported in the literature in individuals affected with DCTN1-related conditions. Invitae Evidence Modeling of protein sequence and biophysical properties (such as structural, functional, and spatial information, amino acid conservation, physicochemical variation, residue mobility, and thermodynamic stability) indicates that this missense variant is not expected to disrupt DCTN1 protein function with a negative predictive value of 95%. In summary, the available evidence is currently insufficient to determine the role of this variant in disease. Therefore, it has been classified as a Variant of Uncertain Significance.

NM_004082.5(DCTN1):c.3521C>T (p.Thr1174Ile)

Gene: DCTN1 (dynactin subunit 1; minus strand). Cytogenetic location: 2p13.1.
Variant type: single nucleotide variant.
Coding change: c.3521C>T on transcript NM_004082.5 (MANE Select); coding-DNA position 3521, C replaced by T.
Protein change: p.Thr1174Ile; replaces threonine 1174 with isoleucine.
Molecular consequence: missense variant. On other transcripts: non-coding transcript variant (1).
Genome position (GRCh38, 1-based): chr2:74,363,002, G>A on the plus strand (C>T on the coding strand, the complement: DCTN1 is on the minus strand). VCF-style: chr2-74363002-G-A. GRCh37 (hg19) VCF-style: chr2-74590129-G-A.
Other names: c.3446C>T, p.Thr1149Ile (NM_001135040.3); c.3104C>T, p.Thr1035Ile (NM_001135041.3); c.3395C>T, p.Thr1132Ile (NM_001190836.2); c.3500C>T, p.Thr1167Ile (NM_001190837.2); c.3470C>T, p.Thr1157Ile (NM_001378991.1); c.3452C>T, p.Thr1151Ile (NM_001378992.1); c.3119C>T, p.Thr1040Ile (NM_023019.4); short protein forms T1167I, T1035I, T1132I, T1149I, T1040I, T1151I, T1157I, T1174I.
Identifiers: ClinVar variation 4791284 (VCV004791284.1).
Genomic context (GRCh38, chr2:74,363,002, plus strand): 5'-GGCCAAGTGGAGGGGGCAGTTTTATTCATCTTGGGGGTTGGCAGGTACATACCAGGGCTG[G>A]TGCGAGTGATGTCTACTACGTGCGTGTGTGTGCTCAATTGATTCAATGTCTCCAGCAGCT-3'
Protein context (NP_004073.2, residues 1164-1184): THTHVVDITR[Thr1174Ile]SPAAKSPSAQ